The following is an entry in ClinVar:

NM_000702.4(ATP1A2):c.1310A>G (p.Asn437Ser)

Gene: ATP1A2 (ATPase Na+/K+ transporting subunit alpha 2; plus strand). Cytogenetic location: 1q23.2.
Variant type: single nucleotide variant.
Coding change: c.1310A>G on transcript NM_000702.4 (MANE Select); coding-DNA position 1310, A replaced by G.
Protein change: p.Asn437Ser; replaces asparagine 437 with serine.
Molecular consequence: missense variant.
Genome position (GRCh38, 1-based): chr1:160,129,073, A>G. VCF-style: chr1-160129073-A-G. GRCh37 (hg19) VCF-style: chr1-160098863-A-G.
Other names: short protein forms N437S.
Identifiers: ClinVar variation 1026780 (VCV001026780.10), dbSNP rs1651682704, ClinGen allele CA343241544.
Genomic context (GRCh38, chr1:160,129,073, plus strand): 5'-CGGCCCTGTCTCGAATTGCTGGTCTCTGCAACCGCGCCGTCTTCAAGGCAGGACAGGAGA[A>G]CATCTCCGTGTCTAAGGTAGGGGGTCAGGACACACACCAGGTATGTTTTGGGGGTGTCTC-3'
Protein context (NP_000693.1, residues 427-447): NRAVFKAGQE[Asn437Ser]ISVSKRDTAG

ClinVar aggregate classification (germline): Uncertain significance. Review status: criteria provided, multiple submitters, no conflicts (2 of 4 stars). 2 submissions from 2 submitters: Uncertain significance (2). Last evaluated 2025-01-06.

Conditions:
Familial hemiplegic migraine. Identifiers: MedGen C0338484, MONDO:0000700.

gnomAD v4.1: 1 of 1,613,836 alleles (0.000062%); highest among the groups gnomAD compares: South Asian, 0.0011%; no homozygotes.

Submissions (2):

Revvity Omics, Revvity
Classification: Uncertain significance. Last evaluated: 2025-01-06. Review status: criteria provided, single submitter. Criteria: ACMG Guidelines, 2015. Collection method: clinical testing. Allele origin: germline.

Labcorp Genetics (formerly Invitae), Labcorp
Classification: Uncertain significance for Familial hemiplegic migraine. Last evaluated: 2020-01-08. Review status: criteria provided, single submitter. Criteria: Invitae Variant Classification Sherloc (09022015). Collection method: clinical testing. Allele origin: germline.
Comment: This sequence change replaces asparagine with serine at codon 437 of the ATP1A2 protein (p.Asn437Ser). The asparagine residue is highly conserved and there is a small physicochemical difference between asparagine and serine. This variant has not been reported in the literature in individuals with ATP1A2-related conditions. This variant is not present in population databases (ExAC no frequency). In summary, the available evidence is currently insufficient to determine the role of this variant in disease. Therefore, it has been classified as a Variant of Uncertain Significance. Algorithms developed to predict the effect of missense changes on protein structure and function are either unavailable or do not agree on the potential impact of this missense change (SIFT: "Deleterious"; PolyPhen-2: "Benign"; Align-GVGD: "Class C45").